The following is an entry in ClinVar:

NM_000168.6(GLI3):c.*332T>C

Gene: GLI3 (GLI family zinc finger 3; minus strand). Cytogenetic location: 7p14.1.
Variant type: single nucleotide variant.
Coding change: c.*332T>C on transcript NM_000168.6 (MANE Select); 332 bases downstream of the stop codon, T replaced by C.
Molecular consequence: 3 prime UTR variant.
Genome position (GRCh38, 1-based): chr7:41,963,998, A>G on the plus strand (T>C on the coding strand, the complement: GLI3 is on the minus strand). VCF-style: chr7-41963998-A-G. GRCh37 (hg19) VCF-style: chr7-42003596-A-G.
Identifiers: ClinVar variation 908801 (VCV000908801.28), dbSNP rs190531579, ClinGen allele CA156900798.
Genomic context (GRCh38, chr7:41,963,998, plus strand): 5'-CTCCTATTTCCTTTGAGCAACAGCAAAACATGTCAAATCCTTTAATTTGACTGCTCTTCT[A>G]AAAGAAAGAAGAATATGCACATCACAAATTTACATCGGTTTACTAAAAAGGGGGCGGGGC-3'

ClinVar aggregate classification (germline): Benign/Likely benign. Review status: criteria provided, multiple submitters, no conflicts (2 of 4 stars). 4 submissions from 2 submitters: Benign (3); Likely benign (1). Last evaluated 2022-12-01.

Conditions:
Polydactyly. Also called: polydactylism. Identifiers: MedGen C0152427, MONDO:0021003, OMIM 603596, HP:0010442.
Greig cephalopolysyndactyly syndrome (GCPS). Also called: Greig syndrome; POLYSYNDACTYLY WITH PECULIAR SKULL SHAPE; GLI3-Related Greig Cephalopolysyndactyly Syndrome. Identifiers: Orphanet 380, MedGen C0265306, MONDO:0008287, OMIM 175700.
Pallister-Hall syndrome (PHS). Also called: GLI3-Related Pallister-Hall Syndrome; HYPOTHALAMIC HAMARTOBLASTOMA, HYPOPITUITARISM, IMPERFORATE ANUS, AND POSTAXIAL POLYDACTYLY. Identifiers: Orphanet 672, MedGen C0265220, MONDO:0007804, OMIM 146510.

Allele frequency attached by ClinVar (database versions not stated): gnomAD 0.00023 and 0.00031; gnomAD exomes 0.00027; TOPMed 0.00033; 1000 Genomes Project 0.00140; 1000 Genomes Project 30x 0.00156.
gnomAD v4.1: 68 of 227,214 alleles (0.03%); highest among the groups gnomAD compares: East Asian, 0.77%; no homozygotes.

Submissions (4):

CeGaT Center for Human Genetics Tuebingen
Classification: Likely benign. Last evaluated: 2022-12-01. Review status: criteria provided, single submitter. Criteria: CeGaT Center For Human Genetics Tuebingen Variant Classification Criteria Version 2. Collection method: clinical testing. Allele origin: germline. Affected: yes. Observed: 1 variant allele.
Comment: GLI3: BS1

Illumina Laboratory Services, Illumina
Classification: Benign for Polydactyly. Last evaluated: 2018-01-13. Review status: criteria provided, single submitter. Criteria: ICSL Variant Classification Criteria 13 December 2019. Collection method: clinical testing. Allele origin: germline.
Comment: This variant was observed in the ICSL laboratory as part of a predisposition screen in an ostensibly healthy population. It had not been previously curated by ICSL or reported in the Human Gene Mutation Database (HGMD: prior to June 1st, 2018), and was therefore a candidate for classification through an automated scoring system. Utilizing variant allele frequency, disease prevalence and penetrance estimates, and inheritance mode, an automated score was calculated to assess if this variant is too frequent to cause the disease. Based on the score and internal cut-off values, a variant classified as benign is not then subjected to further curation. The score for this variant resulted in a classification of benign for this disease.

Illumina Laboratory Services, Illumina
Classification: Benign for Greig cephalopolysyndactyly syndrome. Last evaluated: 2018-01-13. Review status: criteria provided, single submitter. Criteria: ICSL Variant Classification Criteria 13 December 2019. Collection method: clinical testing. Allele origin: germline.
Comment: the same text as in the submission from Illumina Laboratory Services, Illumina above.

Illumina Laboratory Services, Illumina
Classification: Benign for Pallister-Hall syndrome. Last evaluated: 2018-01-13. Review status: criteria provided, single submitter. Criteria: ICSL Variant Classification Criteria 13 December 2019. Collection method: clinical testing. Allele origin: germline.
Comment: the same text as in the submission from Illumina Laboratory Services, Illumina above.